The following is an entry in ClinVar:

ClinVar aggregate classification (germline): Conflicting classifications of pathogenicity. Review status: criteria provided, conflicting classifications (1 of 4 stars). 4 submissions from 4 submitters: Uncertain significance (1); Likely benign (3). Last evaluated 2026-01-05.

Conditions:
Hereditary spastic paraplegia 39 (SPG39). Also called: Spastic Paraplegia Type 39 (SPG39); SPASTIC PARAPLEGIA 39, AUTOSOMAL RECESSIVE. Identifiers: Orphanet 139480, MedGen C2677586, MONDO:0012787, OMIM 612020.

Allele frequency attached by ClinVar (database versions not stated): ExAC 0.00029; TOPMed 0.00029; gnomAD exomes 0.00032 and 0.00054; gnomAD 0.00036 and 0.00039; ESP Exome Variant Server 0.00062.
gnomAD v4.1: 828 of 1,613,216 alleles (0.051%); highest among the groups gnomAD compares: Non-Finnish European, 0.068%; 1 homozygote.

Submissions (4):

Labcorp Genetics (formerly Invitae), Labcorp
Classification: Likely benign for Hereditary spastic paraplegia 39. Last evaluated: 2026-01-05. Review status: criteria provided, single submitter. Criteria: Invitae Variant Classification Sherloc (09022015). Collection method: clinical testing. Allele origin: germline.

Blueprint Genetics
Classification: Likely benign. Last evaluated: 2024-07-19. Review status: criteria provided, single submitter. Criteria: ACMG Guidelines, 2015. Collection method: clinical testing. Allele origin: germline.

CeGaT Center for Human Genetics Tuebingen
Classification: Likely benign. Last evaluated: 2024-03-01. Review status: criteria provided, single submitter. Criteria: CeGaT Center For Human Genetics Tuebingen Variant Classification Criteria Version 2. Collection method: clinical testing. Allele origin: germline. Affected: yes. Observed: 2 variant alleles.
Comment: PNPLA6: BP4, BP7

Illumina Laboratory Services, Illumina
Classification: Uncertain significance for Hereditary spastic paraplegia 39. Last evaluated: 2018-01-12. Review status: criteria provided, single submitter. Criteria: ICSL Variant Classification Criteria 13 December 2019. Collection method: clinical testing. Allele origin: germline.

NM_001166114.2(PNPLA6):c.3003C>T (p.Gly1001=)

Gene: PNPLA6 (patatin like domain 6, lysophospholipase; plus strand). Cytogenetic location: 19p13.2.
Variant type: single nucleotide variant.
Coding change: c.3003C>T on transcript NM_001166114.2 (MANE Select); coding-DNA position 3003, C replaced by T.
Protein change: p.Gly1001=; no amino-acid change (glycine 1001 retained).
Molecular consequence: synonymous variant.
Genome position (GRCh38, 1-based): chr19:7,555,673, C>T. VCF-style: chr19-7555673-C-T. GRCh37 (hg19) VCF-style: chr19-7620559-C-T.
Other names: c.3033C>T, p.Gly1011= (NM_001166111.2); c.2808C>T, p.Gly936= (NM_001166112.2); c.2889C>T, p.Gly963= (NM_001166113.1, NM_006702.5).
Identifiers: ClinVar variation 330533 (VCV000330533.37), dbSNP rs145459571, ClinGen allele CA9140296.